The following is an entry in ClinVar:

NM_001166108.2(PALLD):c.2473A>G (p.Ile825Val)

Genes: CBR4 (carbonyl reductase 4; minus strand), PALLD (palladin, cytoskeletal associated protein; plus strand). Cytogenetic location: 4q32.3.
Variant type: single nucleotide variant.
Coding change: c.2473A>G on transcript NM_001166108.2 (MANE Select); coding-DNA position 2473, A replaced by G.
Protein change: p.Ile825Val; replaces isoleucine 825 with valine.
Molecular consequence: missense variant.
Genome position (GRCh38, 1-based): chr4:168,903,757, A>G. VCF-style: chr4-168903757-A-G. GRCh37 (hg19) VCF-style: chr4-169824908-A-G.
Other names: c.1276A>G, p.Ile426Val (NM_001166109.2); c.961A>G, p.Ile321Val (NM_001166110.2); c.301A>G, p.Ile101Val (NM_001367567.1, NM_001367569.1); c.352A>G, p.Ile118Val (NM_001367568.1, NM_001367570.1); c.2422A>G, p.Ile808Val (NM_016081.4); short protein forms I321V, I426V, I118V, I101V, I808V, I825V.
Identifiers: ClinVar variation 1791038 (VCV001791038.2), dbSNP rs1177627176, ClinGen allele CA358799228.

ClinVar aggregate classification (germline): Uncertain significance (1 of 4 stars; one submission).

Allele frequency attached by ClinVar (database versions not stated): TOPMed below 0.00001; gnomAD exomes 0.00001.
gnomAD v4.1: 17 of 1,609,518 alleles (0.0011%); highest among the groups gnomAD compares: African/African-American, 0.0013%; no homozygotes.

Submission:

Ambry Genetics
Classification: Uncertain significance. Last evaluated: 2021-08-30. Review status: criteria provided, single submitter. Criteria: Ambry Variant Classification Scheme 2023. Collection method: clinical testing. Allele origin: germline.
Comment: The p.I808V variant (also known as c.2422A>G) is located in coding exon 13 of the PALLD gene. The isoleucine at codon 808 is replaced by valine, an amino acid with highly similar properties. This change occurs in the first base pair of coding exon 13. This amino acid position is conserved. In addition, this alteration is predicted to be tolerated by in silico analysis. Since supporting evidence is limited at this time, the clinical significance of this alteration remains unclear.